The following is an entry in ClinVar:

NM_000059.4(BRCA2):c.5824G>C (p.Val1942Leu)

Gene: BRCA2 (BRCA2 DNA repair associated; plus strand). Cytogenetic location: 13q13.1.
Variant type: single nucleotide variant.
Coding change: c.5824G>C on transcript NM_000059.4 (MANE Select); coding-DNA position 5824, G replaced by C.
Protein change: p.Val1942Leu; replaces valine 1942 with leucine.
Molecular consequence: missense variant. On other transcripts: non-coding transcript variant (1), intron variant (2).
Genome position (GRCh38, 1-based): chr13:32,340,179, G>C. VCF-style: chr13-32340179-G-C. GRCh37 (hg19) VCF-style: chr13-32914316-G-C.
Other names: c.5824G>C, p.Val1942Leu (NM_001406719.1, NM_001406720.1); c.1910-4379G>C (NM_001406721.1); c.425-4379G>C (NM_001406722.1); short protein forms V1942L.
Identifiers: ClinVar variation 2814187 (VCV002814187.4), dbSNP rs2137521381, ClinGen allele CA387787300.

ClinVar aggregate classification (germline): Uncertain significance. Review status: criteria provided, multiple submitters, no conflicts (2 of 4 stars). 2 submissions from 2 submitters: Uncertain significance (2). Last evaluated 2025-06-23.

Conditions:
Hereditary breast ovarian cancer syndrome. Also called: Hereditary breast and ovarian cancer; Hereditary breast and ovarian cancer syndrome; Breast and ovarian cancer; BRCA1- and BRCA2-Associated Hereditary Breast and Ovarian Cancer; Hereditary breast and ovarian cancer syndrome (HBOC); Hereditary breast and/or ovarian cancer syndrome. Identifiers: Orphanet 145, MedGen C0677776, MeSH D061325, MONDO:0003582. Disease mechanism: loss of function.
Hereditary cancer-predisposing syndrome. Also called: Tumor predisposition; Hereditary Cancer Syndrome; Hereditary neoplastic syndrome; Neoplastic Syndromes, Hereditary. Identifiers: Orphanet 140162, MedGen C0027672, MeSH D009386, MONDO:0015356.

Submissions (2):

Ambry Genetics
Classification: Uncertain significance for Hereditary cancer-predisposing syndrome. Last evaluated: 2025-06-23. Review status: criteria provided, single submitter. Criteria: Ambry Variant Classification Scheme 2023. Collection method: clinical testing. Allele origin: germline.
Comment: The p.V1942L variant (also known as c.5824G>C), located in coding exon 10 of the BRCA2 gene, results from a G to C substitution at nucleotide position 5824. The valine at codon 1942 is replaced by leucine, an amino acid with highly similar properties. This amino acid position is conserved. In addition, this alteration is predicted to be tolerated by in silico analysis. Based on the available evidence, the clinical significance of this variant remains unclear.

Labcorp Genetics (formerly Invitae), Labcorp
Classification: Uncertain significance for Hereditary breast ovarian cancer syndrome. Last evaluated: 2022-11-14. Review status: criteria provided, single submitter. Criteria: Invitae Variant Classification Sherloc (09022015). Collection method: clinical testing. Allele origin: germline.
Comment: This sequence change replaces valine, which is neutral and non-polar, with leucine, which is neutral and non-polar, at codon 1942 of the BRCA2 protein (p.Val1942Leu). This variant is not present in population databases (gnomAD no frequency). This variant has not been reported in the literature in individuals affected with BRCA2-related conditions. Advanced modeling of protein sequence and biophysical properties (such as structural, functional, and spatial information, amino acid conservation, physicochemical variation, residue mobility, and thermodynamic stability) performed at Invitae indicates that this missense variant is not expected to disrupt BRCA2 protein function. In summary, the available evidence is currently insufficient to determine the role of this variant in disease. Therefore, it has been classified as a Variant of Uncertain Significance.